The following is an entry in ClinVar:

GRCh37/hg19 16p13.11-12.3(chr16:15318664-18778064)x1

Genes: ABCC1 (ATP binding cassette subfamily C member 1 (ABCC1 blood group); plus strand), ABCC6 (ATP binding cassette subfamily C member 6; minus strand), BMERB1 (bMERB domain containing 1; plus strand), CEP20 (centrosomal protein 20; minus strand), MARF1 (meiosis regulator and mRNA stability factor 1; minus strand) and 7 more. Cytogenetic location: 16p13.11-12.3.
Variant type: copy number loss.
Change: copy number 1 (one copy instead of two) of chr16:15,318,664-18,778,064 (3.46 Mb, GRCh37 coordinates, 1-based), cytogenetic band 16p13.11-12.3.
Identifiers: ClinVar variation 564285 (VCV000564285.2).

ClinVar aggregate classification (germline): Pathogenic (1 of 4 stars; one submission).

Submission:

Quest Diagnostics Nichols Institute San Juan Capistrano
Classification: Pathogenic. Last evaluated: 2024-03-13. Review status: criteria provided, single submitter. Criteria: ACMG/ClinGen CNV Guidelines, 2019. Collection method: clinical testing. Allele origin: unknown.
Comment: This copy number loss represents the recurrent 16p13.11 BP2-BP3 deletion region (ISCA-37415), containing the proposed critical genes NDE1 (OMIM 609449) and MYH11 (OMIM 160745) (Granata 2022, Heinzen 2010, Nagamani 2011, Ullmann 2007). Inheritance from an unaffected or mildly affected parent has been reported. This copy number variant (CNV) is classified as pathogenic. References: Granata et al., Front Genet. 2022 Mar 15;13:798607. PMID: 35368691; Heinzen et al., Am J Hum Genet. 2010 May 14;86(5):707-18. PMID: 20398883; Nagamani et al., Eur J Hum Genet. 2011 Mar;19(3):280-6. PMID: 21150890; Ullmann et al., Hum Mutat. 2007 Jul;28(7):674-82. PMID: 17480036